The following is an entry in ClinVar:

NM_012431.3(SEMA3E):c.990C>G (p.Asn330Lys)

Gene: SEMA3E (semaphorin 3E; minus strand). Cytogenetic location: 7q21.11.
Variant type: single nucleotide variant.
Coding change: c.990C>G on transcript NM_012431.3 (MANE Select); coding-DNA position 990, C replaced by G.
Protein change: p.Asn330Lys; replaces asparagine 330 with lysine.
Molecular consequence: missense variant.
Genome position (GRCh38, 1-based): chr7:83,405,458, G>C on the plus strand (C>G on the coding strand, the complement: SEMA3E is on the minus strand). VCF-style: chr7-83405458-G-C. GRCh37 (hg19) VCF-style: chr7-83034774-G-C.
Other names: c.810C>G, p.Asn270Lys (NM_001178129.2); short protein forms N330K, N270K.
Identifiers: ClinVar variation 453191 (VCV000453191.2), dbSNP rs1554320453, ClinGen allele CA367929374.

ClinVar aggregate classification (germline): Uncertain significance (1 of 4 stars; one submission).

Submission:

GeneDx
Classification: Uncertain significance. Last evaluated: 2017-11-02. Review status: criteria provided, single submitter. Criteria: GeneDx Variant Classification (06012015). Collection method: clinical testing. Allele origin: germline. Affected: yes.
Comment: The N330K variant in the SEMA3E gene has not been reported previously as a pathogenic variant, nor as a benign variant, to our knowledge. The N330K variant is not observed in large population cohorts (Lek et al., 2016). The N330K variant is a semi-conservative amino acid substitution, which may impact secondary protein structure as these residues differ in some properties. This substitution occurs at a position where amino acids with similar properties to Asparagine are tolerated across species. In silico analysis is inconsistent in its predictions as to whether or not the variant is damaging to the protein structure/function. We interpret N330K as a variant of uncertain significance